The following is an entry in ClinVar:

NM_199355.4(ADAMTS18):c.3392C>T (p.Pro1131Leu)

Gene: ADAMTS18 (ADAM metallopeptidase with thrombospondin type 1 motif 18; minus strand). Cytogenetic location: 16q23.1.
Variant type: single nucleotide variant.
Coding change: c.3392C>T on transcript NM_199355.4 (MANE Select); coding-DNA position 3392, C replaced by T.
Protein change: p.Pro1131Leu; replaces proline 1131 with leucine.
Molecular consequence: missense variant.
Genome position (GRCh38, 1-based): chr16:77,291,276, G>A on the plus strand (C>T on the coding strand, the complement: ADAMTS18 is on the minus strand). VCF-style: chr16-77291276-G-A. GRCh37 (hg19) VCF-style: chr16-77325173-G-A.
Other names: c.2876C>T, p.Pro959Leu (NM_001326358.2); c.3392C>T (NM_199355.2); short protein forms P1131L, P959L.
Identifiers: ClinVar variation 1001088 (VCV001001088.7), dbSNP rs376770364, ClinGen allele CA8180477.

ClinVar aggregate classification (germline): Uncertain significance. Review status: criteria provided, multiple submitters, no conflicts (2 of 4 stars). 2 submissions from 2 submitters: Uncertain significance (2). Last evaluated 2024-09-27.

Conditions:
Inborn genetic diseases. Identifiers: MedGen C0950123, MeSH D030342.

Allele frequency attached by ClinVar (database versions not stated): gnomAD exomes below 0.00001 and 0.00001; ExAC 0.00002; gnomAD 0.00002; TOPMed 0.00002; ESP Exome Variant Server 0.00008.
gnomAD v4.1: 8 of 1,613,872 alleles (0.0005%); highest among the groups gnomAD compares: African/African-American, 0.0067%; no homozygotes.

Submissions (2):

Ambry Genetics
Classification: Uncertain significance for Inborn genetic diseases. Last evaluated: 2024-09-27. Review status: criteria provided, single submitter. Criteria: Ambry Variant Classification Scheme 2023. Collection method: clinical testing. Allele origin: germline.

Labcorp Genetics (formerly Invitae), Labcorp
Classification: Uncertain significance. Last evaluated: 2022-10-13. Review status: criteria provided, single submitter. Criteria: Invitae Variant Classification Sherloc (09022015). Collection method: clinical testing. Allele origin: germline.
Comment: This variant is present in population databases (rs376770364, gnomAD 0.008%). This sequence change replaces proline, which is neutral and non-polar, with leucine, which is neutral and non-polar, at codon 1131 of the ADAMTS18 protein (p.Pro1131Leu). This variant has not been reported in the literature in individuals affected with ADAMTS18-related conditions. In summary, the available evidence is currently insufficient to determine the role of this variant in disease. Therefore, it has been classified as a Variant of Uncertain Significance. Algorithms developed to predict the effect of missense changes on protein structure and function are either unavailable or do not agree on the potential impact of this missense change (SIFT: "Not Available"; PolyPhen-2: "Probably Damaging"; Align-GVGD: "Not Available"). ClinVar contains an entry for this variant (Variation ID: 1001088).